The following is an entry in ClinVar:

NM_001372076.1(PAX9):c.697T>C (p.Phe233Leu)

Gene: PAX9 (paired box 9; plus strand). Cytogenetic location: 14q13.3.
Variant type: single nucleotide variant.
Coding change: c.697T>C on transcript NM_001372076.1 (MANE Select); coding-DNA position 697, T replaced by C.
Protein change: p.Phe233Leu; replaces phenylalanine 233 with leucine.
Molecular consequence: missense variant.
Genome position (GRCh38, 1-based): chr14:36,666,527, T>C. VCF-style: chr14-36666527-T-C. GRCh37 (hg19) VCF-style: chr14-37135732-T-C.
Other names: c.697T>C, p.Phe233Leu (NM_006194.4); short protein forms F233L.
Identifiers: ClinVar variation 639634 (VCV000639634.8), dbSNP rs200733091, ClinGen allele CA7159066.

ClinVar aggregate classification (germline): Uncertain significance. Review status: criteria provided, multiple submitters, no conflicts (2 of 4 stars). 2 submissions from 2 submitters: Uncertain significance (2). Last evaluated 2023-03-14.

Conditions:
Inborn genetic diseases. Identifiers: MedGen C0950123, MeSH D030342.
Hypodontia. Also called: Partial congenital absence of teeth; TOOTH AGENESIS, FAMILIAL; Tooth agenesis, selective. Identifiers: Orphanet 99798, MedGen C0020608, MONDO:0005486, HP:0000668. Disease mechanism: loss of function.

Allele frequency attached by ClinVar (database versions not stated): gnomAD exomes 0.00010 and 0.00016; TOPMed 0.00010; ESP Exome Variant Server 0.00015; gnomAD 0.00011; ExAC 0.00015.
gnomAD v4.1: 252 of 1,599,132 alleles (0.016%); highest among the groups gnomAD compares: Non-Finnish European, 0.02%; no homozygotes.

Submissions (2):

Ambry Genetics
Classification: Uncertain significance for Inborn genetic diseases. Last evaluated: 2023-03-14. Review status: criteria provided, single submitter. Criteria: Ambry Variant Classification Scheme 2023. Collection method: clinical testing. Allele origin: germline.

Labcorp Genetics (formerly Invitae), Labcorp
Classification: Uncertain significance for Hypodontia. Last evaluated: 2021-09-15. Review status: criteria provided, single submitter. Criteria: Invitae Variant Classification Sherloc (09022015). Collection method: clinical testing. Allele origin: germline.
Comment: In summary, the available evidence is currently insufficient to determine the role of this variant in disease. Therefore, it has been classified as a Variant of Uncertain Significance. Algorithms developed to predict the effect of missense changes on protein structure and function (SIFT, PolyPhen-2, Align-GVGD) all suggest that this variant is likely to be tolerated. This variant has not been reported in the literature in individuals affected with PAX9-related conditions. This variant is present in population databases (rs200733091, ExAC 0.03%), and has an allele count higher than expected for a pathogenic variant (PMID: 28166811). This sequence change replaces phenylalanine with leucine at codon 233 of the PAX9 protein (p.Phe233Leu). The phenylalanine residue is highly conserved and there is a small physicochemical difference between phenylalanine and leucine.

Literature cited by the submitters: PubMed 28166811 (cited by Labcorp Genetics (formerly Invitae), Labcorp).